The following is an entry in ClinVar:

ClinVar aggregate classification (germline): Pathogenic. Review status: criteria provided, multiple submitters, no conflicts (2 of 4 stars). 3 submissions from 3 submitters: Pathogenic (3). Last evaluated 2025-12-09.

Conditions:
Duchenne muscular dystrophy (DMD). Also called: MUSCULAR DYSTROPHY, PSEUDOHYPERTROPHIC PROGRESSIVE, DUCHENNE TYPE; Duchenne Muscular Dystrophy (DMD). Identifiers: Orphanet 98896, MedGen C0013264, MONDO:0010679, OMIM 310200.

Submissions (3):

Labcorp Genetics (formerly Invitae), Labcorp
Classification: Pathogenic for Duchenne muscular dystrophy. Last evaluated: 2025-12-09. Review status: criteria provided, single submitter. Criteria: Invitae Variant Classification Sherloc (09022015). Collection method: clinical testing. Allele origin: germline.
Comment: This sequence change creates a premature translational stop signal (p.Trp643*) in the DMD gene. It is expected to result in an absent or disrupted protein product. Loss-of-function variants in DMD are known to be pathogenic (PMID: 16770791, 25007885). This variant is not present in population databases (gnomAD no frequency). This premature translational stop signal has been observed in individual(s) with Duchenne muscular dystrophy (PMID: 30342905). ClinVar contains an entry for this variant (Variation ID: 1322351). For these reasons, this variant has been classified as Pathogenic.

GeneDx
Classification: Pathogenic. Last evaluated: 2023-01-23. Review status: criteria provided, single submitter. Criteria: GeneDx Variant Classification Process June 2021. Collection method: clinical testing. Allele origin: germline. Affected: yes.
Comment: Nonsense variant predicted to result in protein truncation or nonsense mediated decay in a gene for which loss of function is a known mechanism of disease; Not observed at significant frequency in large population cohorts (gnomAD); Based on the understanding of this genetic alteration, it may be amenable to nonsense read-through therapy that is currently available or in clinical trials for males; This variant is associated with the following publications: (PMID: 30342905)

Revvity Omics, Revvity
Classification: Pathogenic. Last evaluated: 2022-07-05. Review status: criteria provided, single submitter. Criteria: ACMG Guidelines, 2015. Collection method: clinical testing. Allele origin: germline.

Literature cited by the submitters: PubMed 16770791 (cited by Labcorp Genetics (formerly Invitae), Labcorp); PubMed 25007885 (cited by Labcorp Genetics (formerly Invitae), Labcorp); PubMed 30342905 (cited by Labcorp Genetics (formerly Invitae), Labcorp).

NM_004006.3(DMD):c.1928G>A (p.Trp643Ter)

Gene: DMD (dystrophin; minus strand). Cytogenetic location: Xp21.1.
Variant type: single nucleotide variant.
Coding change: c.1928G>A on transcript NM_004006.3 (MANE Select); coding-DNA position 1928, G replaced by A.
Protein change: p.Trp643Ter; replaces tryptophan 643 with a stop codon.
Molecular consequence: nonsense.
Genome position (GRCh38, 1-based): chrX:32,565,766, C>T on the plus strand (G>A on the coding strand, the complement: DMD is on the minus strand). VCF-style: chrX-32565766-C-T. GRCh37 (hg19) VCF-style: chrX-32583883-C-T.
Other names: c.1904G>A, p.Trp635Ter (NM_000109.4); c.1916G>A, p.Trp639Ter (NM_004009.3); c.1559G>A, p.Trp520Ter (NM_004010.3); short protein forms W520*, W635*, W639*, W643*.
Identifiers: ClinVar variation 1322351 (VCV001322351.8), dbSNP rs2149094851, ClinGen allele CA412672517.